The following is an entry in ClinVar:

ClinVar aggregate classification (germline): Likely pathogenic (1 of 4 stars; one submission).

Conditions:
Ataxia-telangiectasia syndrome (AT). Also called: Ataxia-telangiectasia; AT, COMPLEMENTATION GROUP C; ATAXIA-TELANGIECTASIA, COMPLEMENTATION GROUP A; ATAXIA-TELANGIECTASIA, FRESNO VARIANT; Ataxia-telangiectasia, complementation group E; LOUIS-BAR SYNDROME. Identifiers: Orphanet 100, MedGen C0004135, MONDO:0008840, OMIM 208900.

Submission:

Labcorp Genetics (formerly Invitae), Labcorp
Classification: Likely pathogenic for Ataxia-telangiectasia syndrome. Last evaluated: 2022-04-05. Review status: criteria provided, single submitter. Criteria: Invitae Variant Classification Sherloc (09022015). Collection method: clinical testing. Allele origin: germline.
Comment: This sequence change affects a donor splice site in intron 6 of the ATM gene. It is expected to disrupt RNA splicing. Variants that disrupt the donor or acceptor splice site typically lead to a loss of protein function (PMID: 16199547), and loss-of-function variants in ATM are known to be pathogenic (PMID: 23807571, 25614872). This variant is not present in population databases (gnomAD no frequency). This variant has not been reported in the literature in individuals affected with ATM-related conditions. Algorithms developed to predict the effect of sequence changes on RNA splicing suggest that this variant may disrupt the consensus splice site. In summary, the currently available evidence indicates that the variant is pathogenic, but additional data are needed to prove that conclusively. Therefore, this variant has been classified as Likely Pathogenic.

Literature cited by the submitters: PubMed 16199547; PubMed 23807571; PubMed 25614872.

NM_000051.4(ATM):c.662+2T>C

Gene: ATM (ATM serine/threonine kinase; plus strand). Cytogenetic location: 11q22.3.
Variant type: single nucleotide variant.
Coding change: c.662+2T>C on transcript NM_000051.4 (MANE Select); the canonical splice donor site of the intron after coding-DNA position 662, T replaced by C.
Molecular consequence: splice donor variant.
Genome position (GRCh38, 1-based): chr11:108,244,120, T>C. VCF-style: chr11-108244120-T-C. GRCh37 (hg19) VCF-style: chr11-108114847-T-C.
Other names: c.662+2T>C (NM_001351834.2).
Identifiers: ClinVar variation 2117672 (VCV002117672.4), dbSNP rs2135227564, ClinGen allele CA16044062.